The following is an entry in ClinVar:

NM_005559.4(LAMA1):c.4252_4255dup (p.Cys1419Ter)

Gene: LAMA1 (laminin subunit alpha 1; minus strand). Cytogenetic location: 18p11.31.
Variant type: Duplication.
Coding change: c.4252_4255dup on transcript NM_005559.4 (MANE Select); coding-DNA positions 4252 to 4255, 4 bases duplicated (AAGT; older notation c.4252_4255dupAAGT).
Protein change: p.Cys1419Ter; replaces cysteine 1419 with a stop codon.
Molecular consequence: nonsense.
Genome position (GRCh38, 1-based): chr18:7,007,144-7,007,147, ACTT duplicated on the plus strand (AAGT on the coding strand, the reverse complement: LAMA1 is on the minus strand). VCF-style (leftmost placement, unchanged base first): chr18-7007143-C-CACTT. GRCh37 (hg19) VCF-style: chr18-7007142-C-CACTT.
Other names: short protein forms C1419*.
Identifiers: ClinVar variation 4292182 (VCV004292182.1).

ClinVar aggregate classification (germline): Pathogenic (1 of 4 stars; one submission).

Conditions:
Ataxia - intellectual disability - oculomotor apraxia - cerebellar cysts syndrome. Also called: Poretti-Boltshauser syndrome. Identifiers: Orphanet 370022, MedGen C4014821, MONDO:0014419, OMIM 615960.

Submission:

3billion
Classification: Pathogenic for Ataxia - intellectual disability - oculomotor apraxia - cerebellar cysts syndrome. Last evaluated: 2024-08-07. Review status: criteria provided, single submitter. Criteria: ACMG Guidelines, 2015. Collection method: clinical testing. Allele origin: germline. Affected: yes.
Comment: The variant is observed at an extremely low frequency in the gnomAD v4.0.0 dataset (total allele frequency: <0.001%). Predicted Consequence/Location: Stop-gained (nonsense): predicted to result in a loss or disruption of normal protein function through nonsense-mediated decay (NMD) or protein truncation. Multiple pathogenic variants are reported downstream of the variant. Therefore, this variant is classified as Pathogenic according to the recommendation of ACMG/AMP guideline.